The following is an entry in ClinVar:

ClinVar aggregate classification (germline): Uncertain significance (1 of 4 stars; one submission).

Conditions:
Oto-palato-digital syndrome, type II (OPD2). Also called: FACIOPALATOOSSEOUS SYNDROME; OPD II SYNDROME; Otopalatodigital Syndrome, Type II; Otopalatodigital Syndrome Type 2 (FLNA-OPD2). Identifiers: Orphanet 669, Orphanet 90652, MedGen C1844696, MONDO:0010571, OMIM 304120.
Heterotopia, periventricular, X-linked dominant (PVNH1). Also called: PERIVENTRICULAR NODULAR HETEROTOPIA 1; X-linked periventricular heterotopia; PERIVENTRICULAR NODULAR HETEROTOPIA 4; HETEROTOPIA, PERIVENTRICULAR, 1. Identifiers: Orphanet 2149, Orphanet 82004, MedGen C1848213, MONDO:0010233, OMIM 300049.
Frontometaphyseal dysplasia (FMD1). Identifiers: Orphanet 1826, MedGen C0265293, MONDO:0015942.
Melnick-Needles syndrome (MNS). Also called: MELNICK-NEEDLES OSTEODYSPLASTY; OSTEODYSPLASTY OF MELNICK AND NEEDLES; Melnick-Needles Syndrome (FLNA-MNS). Identifiers: Orphanet 2484, MedGen C0025237, MONDO:0010650, OMIM 309350.

Allele frequency attached by ClinVar (database versions not stated): gnomAD exomes below 0.00001.
gnomAD v4.1: 5 of 1,212,158 alleles (0.00041%); highest among the groups gnomAD compares: South Asian, 0.0088%; no homozygotes.

Submission:

Labcorp Genetics (formerly Invitae), Labcorp
Classification: Uncertain significance for Oto-palato-digital syndrome, type II; Heterotopia, periventricular, X-linked dominant; Frontometaphyseal dysplasia; Melnick-Needles syndrome. Last evaluated: 2025-03-10. Review status: criteria provided, single submitter. Criteria: Invitae Variant Classification Sherloc (09022015). Collection method: clinical testing. Allele origin: germline.
Comment: This sequence change replaces glutamine, which is neutral and polar, with arginine, which is basic and polar, at codon 2115 of the FLNA protein (p.Gln2115Arg). This variant is not present in population databases (gnomAD no frequency). This variant has not been reported in the literature in individuals affected with FLNA-related conditions. ClinVar contains an entry for this variant (Variation ID: 2943784). Invitae Evidence Modeling of protein sequence and biophysical properties (such as structural, functional, and spatial information, amino acid conservation, physicochemical variation, residue mobility, and thermodynamic stability) indicates that this missense variant is not expected to disrupt FLNA protein function with a negative predictive value of 95%. In summary, the available evidence is currently insufficient to determine the role of this variant in disease. Therefore, it has been classified as a Variant of Uncertain Significance.

NM_001110556.2(FLNA):c.6368A>G (p.Gln2123Arg)

Gene: FLNA (filamin A; minus strand). Cytogenetic location: Xq28.
Variant type: single nucleotide variant.
Coding change: c.6368A>G on transcript NM_001110556.2 (MANE Select); coding-DNA position 6368, A replaced by G.
Protein change: p.Gln2123Arg; replaces glutamine 2123 with arginine.
Molecular consequence: missense variant.
Genome position (GRCh38, 1-based): chrX:154,352,783, T>C on the plus strand (A>G on the coding strand, the complement: FLNA is on the minus strand). VCF-style: chrX-154352783-T-C. GRCh37 (hg19) VCF-style: chrX-153581151-T-C.
Other names: c.6344A>G, p.Gln2115Arg (NM_001456.4); short protein forms Q2115R, Q2123R.
Identifiers: ClinVar variation 2943784 (VCV002943784.3), dbSNP rs2522722067, ClinGen allele CA415193044.